The following is an entry in ClinVar:

ClinVar aggregate classification (germline): Uncertain significance (1 of 4 stars; one submission).

Submission:

Labcorp Genetics (formerly Invitae), Labcorp
Classification: Uncertain significance. Last evaluated: 2021-07-13. Review status: criteria provided, single submitter. Criteria: Invitae Variant Classification Sherloc (09022015). Collection method: clinical testing. Allele origin: germline.
Comment: This variant occurs in a non-coding region of the CTNNA1 gene. It does not change the encoded amino acid sequence of the CTNNA1 protein. This variant is not present in population databases (ExAC no frequency). This variant has not been reported in the literature in individuals affected with CTNNA1-related conditions. Experimental studies and prediction algorithms are not available or were not evaluated, and the functional significance of this variant is currently unknown. In summary, the available evidence is currently insufficient to determine the role of this variant in disease. Therefore, it has been classified as a Variant of Uncertain Significance.

NM_001903.5(CTNNA1):c.2709_*5dup (p.Met903_Ter907=)

Gene: CTNNA1 (catenin alpha 1; plus strand). Cytogenetic location: 5q31.2.
Variant type: Duplication.
Coding change: c.2709_*5dup on transcript NM_001903.5 (MANE Select); coding-DNA position 2709 through 5 bases downstream of the stop codon, 18 bases duplicated (GGACAGCATCTAAGTCTG).
Protein change: p.Met903_Ter907=.
Molecular consequence: no sequence alteration. On other transcripts: 3 prime UTR variant (5).
Genome position (GRCh38, 1-based): chr5:138,934,077-138,934,094, GGACAGCATCTAAGTCTG duplicated. VCF-style (leftmost placement, unchanged base first): chr5-138934076-T-TGGACAGCATCTAAGTCTG. GRCh37 (hg19) VCF-style: chr5-138269765-T-TGGACAGCATCTAAGTCTG.
Other names: c.*254_*271dup (NM_001290307.3, NM_001324002.1, NM_001324003.1 and 2 more transcripts); c.2400_*5dup, p.Met800_Ter804= (NM_001290309.3); c.2340_*5dup, p.Met780_Ter784= (NM_001290310.3); c.1599_*5dup, p.Met533_Ter537= (NM_001290312.1, NM_001323987.1, NM_001323988.1 and 12 more transcripts); c.2709_*5dup, p.Met903_Ter907= (NM_001323982.2, NM_001323983.1, NM_001323984.2); c.2682_*5dup, p.Met894_Ter898= (NM_001323985.2); c.2616_*5dup, p.Met872_Ter876= (NM_001323986.2); c.1464_*5dup, p.Met488_Ter492= (NM_001324001.1); and 3 more.
Identifiers: ClinVar variation 1367255 (VCV001367255.6), dbSNP rs2150360593, ClinGen allele CA2573139174.